The following is an entry in ClinVar:

NM_000059.4(BRCA2):c.6724_6725del (p.Asp2242fs)

Gene: BRCA2 (BRCA2 DNA repair associated; plus strand). Cytogenetic location: 13q13.1.
Variant type: Deletion.
Coding change: c.6724_6725del on transcript NM_000059.4 (MANE Select); coding-DNA positions 6724 to 6725, 2 bases deleted (GA; older notation c.6724_6725delGA).
Protein change: p.Asp2242fs; shifts the reading frame from aspartic acid 2242.
Molecular consequence: frameshift variant.
Genome position (GRCh38, 1-based): chr13:32,341,079-32,341,080, GA deleted; deleting any 2 consecutive bases within chr13:32,341,078-32,341,080 gives the same sequence; the c. name uses the placement nearest the transcript's 3' end. VCF-style (leftmost placement, unchanged base first): chr13-32341077-CAG-C. GRCh37 (hg19) VCF-style: chr13-32915214-CAG-C.
Other names: 6952delGA; c.6724_6725delGA (NM_000059.3).
Identifiers: ClinVar variation 38062 (VCV000038062.32), dbSNP rs397507375, ClinGen allele CA024340.
Genomic context (GRCh38, chr13:32,341,077, plus strand): 5'-ACTACTTTGAAACAGAAGCAGTAGAAATTGCTAAAGCTTTTATGGAAGATGATGAACTGA[CAG>C]ATTCTAAACTGCCAAGTCATGCCACACATTCTCTTTTTACATGTCCCGAAAATGAGGAAA-3'

ClinVar aggregate classification (germline): Pathogenic. Review status: reviewed by expert panel (3 of 4 stars). 14 submissions from 14 submitters: Pathogenic (1). 13 of the submissions do not count toward it. Last evaluated 2016-09-08.

Conditions:
Hereditary cancer-predisposing syndrome. Also called: Tumor predisposition; Neoplastic Syndromes, Hereditary; Hereditary neoplastic syndrome; Hereditary Cancer Syndrome. Identifiers: Orphanet 140162, MedGen C0027672, MeSH D009386, MONDO:0015356.
Hereditary breast ovarian cancer syndrome. Also called: Hereditary breast and ovarian cancer; Hereditary breast and ovarian cancer syndrome (HBOC); Hereditary breast and/or ovarian cancer syndrome; Breast and ovarian cancer; Hereditary breast and ovarian cancer syndrome; BRCA1- and BRCA2-Associated Hereditary Breast and Ovarian Cancer. Identifiers: Orphanet 145, MedGen C0677776, MeSH D061325, MONDO:0003582. Disease mechanism: loss of function.
Breast-ovarian cancer, familial, susceptibility to, 2 (BROVCA2). Also called: BRCA2 Hereditary Breast and Ovarian Cancer. Identifiers: Orphanet 145, MedGen C2675520, MONDO:0012933, OMIM 612555. Disease mechanism: loss of function.
Familial cancer of breast. Also called: Hereditary breast cancer; BREAST CANCER, FAMILIAL; hereditary breast carcinoma. Identifiers: Orphanet 227535, MedGen C0346153, MONDO:0016419, OMIM 114480. Disease mechanism: loss of function.

Submissions 1 to 8 of 14:

Evidence-based Network for the Interpretation of Germline Mutant Alleles (ENIGMA)
Classification: Pathogenic for Breast-ovarian cancer, familial, susceptibility to, 2. Last evaluated: 2016-09-08. Review status: reviewed by expert panel. Criteria: ENIGMA BRCA1/2 Classification Criteria (2015). Collection method: curation. Allele origin: germline.
Comment: Variant allele predicted to encode a truncated non-functional protein.

Labcorp Genetics (formerly Invitae), Labcorp
Classification: Pathogenic for Hereditary breast ovarian cancer syndrome. Last evaluated: 2025-08-18. Review status: criteria provided, single submitter. Criteria: Invitae Variant Classification Sherloc (09022015). Collection method: clinical testing. Allele origin: germline. Not counted in ClinVar's aggregate classification.
Comment: This sequence change creates a premature translational stop signal (p.Asp2242Phefs*2) in the BRCA2 gene. It is expected to result in an absent or disrupted protein product. Loss-of-function variants in BRCA2 are known to be pathogenic (PMID: 20104584). This variant is present in population databases (rs397507375, gnomAD 0.003%). This premature translational stop signal has been observed in individual(s) with breast cancer (PMID: 19656164, 22217648, 22382806, 22798144, 25863477). This variant is also known as 6952delGA. ClinVar contains an entry for this variant (Variation ID: 38062). For these reasons, this variant has been classified as Pathogenic.

Ambry Genetics
Classification: Pathogenic for Hereditary cancer-predisposing syndrome. Last evaluated: 2025-04-21. Review status: criteria provided, single submitter. Criteria: Ambry Variant Classification Scheme 2023. Collection method: clinical testing. Allele origin: germline. Not counted in ClinVar's aggregate classification.
Comment: The c.6724_6725delGA pathogenic mutation, located in coding exon 10 of the BRCA2 gene, results from a deletion of two nucleotides at nucleotide positions 6724 to 6725, causing a translational frameshift with a predicted alternate stop codon (p.D2242Ffs*2). This variant was reported in individual(s) with features consistent with BRCA2-related cancer predisposition (Kwong A et al. J Med Genet. 2016 Jan;53:15-23; Rebbeck TR et al. Hum. Mutat. 2018 May;39:593-620; Ryu JM et al. Breast Cancer Res Treat. 2019 Jan;173:385-395). In addition to the clinical data presented in the literature, this alteration is expected to result in loss of function by premature protein truncation or nonsense-mediated mRNA decay. As such, this alteration is interpreted as a disease-causing mutation.

ARUP Laboratories, Molecular Genetics and Genomics, ARUP Laboratories
Classification: Pathogenic. Last evaluated: 2025-02-12. Review status: criteria provided, single submitter. Criteria: ARUP Molecular Germline Variant Investigation Process 2024. Collection method: clinical testing. Allele origin: germline. Not counted in ClinVar's aggregate classification.
Comment: The BRCA2 c.6724_6725del; p.Asp2242PhefsTer2 variant (rs397507375), also known as 6952delGA, is reported in individuals with breast cancer (Bang 2022, Ryu 2019, Seong 2009). This variant is also reported in ClinVar (Variation ID: 38062). It is only found on one allele in the Genome Aggregation Database, indicating it is not a common polymorphism. This variant causes a frameshift by deleting two nucleotides, so it is predicted to result in a truncated protein or mRNA subject to nonsense-mediated decay. Based on available information, this variant is considered to be pathogenic. References: Bang YJ et al. Clinicopathological Characterization of Double Heterozygosity for BRCA1 and BRCA2 Variants in Korean Breast Cancer Patients. Cancer Res Treat. 2022 Jul;54(3):827-833. PMID: 34645131. Ryu JM et al. Prevalence and oncologic outcomes of BRCA 1/2 mutations in unselected triple-negative breast cancer patients in Korea. Breast Cancer Res Treat. 2019 Jan;173(2):385-395. PMID: 30350268. Seong MW et al. Comprehensive mutational analysis of BRCA1/BRCA2 for Korean breast cancer patients: evidence of a founder mutation. Clin Genet. 2009 Aug;76(2):152-60. PMID: 19656164.

Color Diagnostics, LLC DBA Color Health
Classification: Pathogenic for Hereditary cancer-predisposing syndrome. Last evaluated: 2024-11-04. Review status: criteria provided, single submitter. Criteria: ACMG Guidelines, 2015. Collection method: clinical testing. Allele origin: germline. Not counted in ClinVar's aggregate classification.
Comment: This variant deletes 2 nucleotides in exon 11 of the BRCA2 gene, creating a frameshift and premature translation stop signal. This variant is expected to result in an absent or non-functional protein product. This variant has been reported in several individuals and families affected with breast and/or ovarian cancer (PMID: 19656164, 22217648, 22382806, 22798144, 25863477, 26187060, 27836010, 29446198, 30350268, 35671604). This variant has been identified in 1/251336 chromosomes in the general population by the Genome Aggregation Database (gnomAD). Loss of BRCA2 function is a known mechanism of disease. Based on the available evidence, this variant is classified as Pathogenic.

All of Us Research Program, National Institutes of Health
Classification: Pathogenic for Breast-ovarian cancer, familial, susceptibility to, 2. Last evaluated: 2023-12-09. Review status: criteria provided, single submitter. Criteria: ACMG Guidelines, 2015. Collection method: clinical testing. Allele origin: germline. Inheritance: Autosomal dominant inheritance. Observed: 1 variant allele, 1 heterozygote. Not counted in ClinVar's aggregate classification.
Comment: This variant deletes 2 nucleotides in exon 11 of the BRCA2 gene, creating a frameshift and premature translation stop signal. This variant is expected to result in an absent or non-functional protein product. This variant has been reported in individuals affected with breast and/or ovarian cancer and in high-risk breast and ovarian cancer families (PMID: 19656164, 22217648, 22382806, 22798144, 25863477, 26187060, 27836010, doi:10.21203/rs.3.rs-734551/v1), and has also been identified in 6 families among the CIMBA participants (PMID: 29446198). This variant has been identified in 1/251336 chromosomes in the general population by the Genome Aggregation Database (gnomAD). Loss of BRCA2 function is a known mechanism of disease. Based on the available evidence, this variant is classified as Pathogenic.

This study involves interpretation of variants in research participants for the purpose of population health screening. Participant phenotype was not available at the time of variant classification. Additional details can be found in publication PMID: 35346344, PMCID: PMC8962531

Baylor Genetics
Classification: Pathogenic for Familial cancer of breast. Last evaluated: 2023-07-13. Review status: criteria provided, single submitter. Criteria: ACMG Guidelines, 2015. Collection method: clinical testing. Allele origin: unknown. Not counted in ClinVar's aggregate classification.

GeneDx
Classification: Pathogenic. Last evaluated: 2023-06-28. Review status: criteria provided, single submitter. Criteria: GeneDx Variant Classification Process June 2021. Collection method: clinical testing. Allele origin: germline. Affected: yes. Not counted in ClinVar's aggregate classification.
Comment: Frameshift variant predicted to result in protein truncation or nonsense mediated decay in a gene for which loss of function is a known mechanism of disease; Reported in association with hereditary breast and ovarian cancer, and identified as a recurrent pathogenic variant in individuals of Korean ancestry (Han et al., 2011; Kwong et al., 2016; Ryu et al., 2019); Truncating variants in this gene are considered pathogenic by a well-established clinical consortium and/or database; Not observed at a significant frequency in large population cohorts (gnomAD); Also known as 6952_6953del; This variant is associated with the following publications: (PMID: 25863477, 29922827, 19656164, 27836010, 26187060, 29446198, 22798144, 29346284, 30350268, 21497495, 30720243, 31447099, 34645131)